The following is an entry in ClinVar:

NM_022917.5(NOL6):c.2856C>A (p.Pro952=)

Gene: NOL6 (nucleolar protein 6; minus strand). Cytogenetic location: 9p13.3.
Variant type: single nucleotide variant.
Coding change: c.2856C>A on transcript NM_022917.5 (MANE Select); coding-DNA position 2856, C replaced by A.
Protein change: p.Pro952=; no amino-acid change (proline 952 retained).
Molecular consequence: synonymous variant. On other transcripts: intron variant (1).
Genome position (GRCh38, 1-based): chr9:33,464,085, G>T on the plus strand (C>A on the coding strand, the complement: NOL6 is on the minus strand). VCF-style: chr9-33464085-G-T. GRCh37 (hg19) VCF-style: chr9-33464083-G-T.
Other names: c.1951-1272C>A (NM_139235.4).
Identifiers: ClinVar variation 2659146 (VCV002659146.24), dbSNP rs114911109, ClinGen allele CA5026784.

ClinVar aggregate classification (germline): Likely benign (1 of 4 stars; one submission).

Allele frequency attached by ClinVar (database versions not stated): 1000 Genomes Project 30x 0.00031; 1000 Genomes Project 0.00040; TOPMed 0.00158; gnomAD 0.00233; ExAC 0.00243; ESP Exome Variant Server 0.00246.
gnomAD v4.1: 4,043 of 1,613,726 alleles (0.25%); highest among the groups gnomAD compares: Non-Finnish European, 0.25%; 10 homozygotes.

Submission:

CeGaT Center for Human Genetics Tuebingen
Classification: Likely benign. Last evaluated: 2022-09-01. Review status: criteria provided, single submitter. Criteria: CeGaT Center For Human Genetics Tuebingen Variant Classification Criteria Version 2. Collection method: clinical testing. Allele origin: germline. Affected: yes. Observed: 2 variant alleles.
Comment: NOL6: BP4, BP7